The following is an entry in ClinVar:

ClinVar aggregate classification (germline): Uncertain significance. Review status: criteria provided, multiple submitters, no conflicts (2 of 4 stars). 2 submissions from 2 submitters: Uncertain significance (2). Last evaluated 2024-05-29.

Conditions:
Ehlers-Danlos syndrome, classic type, 1 (EDSCL1). Also called: EHLERS-DANLOS SYNDROME, GRAVIS TYPE; EHLERS-DANLOS SYNDROME, SEVERE CLASSIC TYPE; Ehlers-Danlos syndrome, type 1; Ehlers-Danlos Syndrome, Classic Type, COL5A1-Related; EDS I. Identifiers: MedGen C0268335, MONDO:0019567, OMIM 130000.
Osteogenesis imperfecta type I (OI1). Also called: OI, TYPE I; OSTEOGENESIS IMPERFECTA TARDA; OSTEOGENESIS IMPERFECTA WITH BLUE SCLERAE; Osteogenesis imperfecta type 1; Lobstein's Disease; Lobstein disease. Identifiers: Orphanet 216796, Orphanet 666, MedGen C0023931, MONDO:0008146, OMIM 166200. Disease mechanism: loss of function.

gnomAD v4.1: 1 of 1,583,434 alleles (0.000063%); highest among the groups gnomAD compares: Non-Finnish European, 0.000086%; no homozygotes.

Submissions (2):

Labcorp Genetics (formerly Invitae), Labcorp
Classification: Uncertain significance for Osteogenesis imperfecta type I; Ehlers-Danlos syndrome, classic type, 1. Last evaluated: 2024-05-29. Review status: criteria provided, single submitter. Criteria: Invitae Variant Classification Sherloc (09022015). Collection method: clinical testing. Allele origin: germline.
Comment: This sequence change replaces methionine, which is neutral and non-polar, with valine, which is neutral and non-polar, at codon 447 of the COL1A2 protein (p.Met447Val). This variant is not present in population databases (gnomAD no frequency). This variant has not been reported in the literature in individuals affected with COL1A2-related conditions. Advanced modeling of protein sequence and biophysical properties (such as structural, functional, and spatial information, amino acid conservation, physicochemical variation, residue mobility, and thermodynamic stability) performed at Invitae indicates that this missense variant is not expected to disrupt COL1A2 protein function with a negative predictive value of 95%. In summary, the available evidence is currently insufficient to determine the role of this variant in disease. Therefore, it has been classified as a Variant of Uncertain Significance.

GeneDx
Classification: Uncertain significance. Last evaluated: 2024-02-22. Review status: criteria provided, single submitter. Criteria: GeneDx Variant Classification Process June 2021. Collection method: clinical testing. Allele origin: germline. Affected: yes.
Comment: Not observed at significant frequency in large population cohorts (gnomAD); In silico analysis supports that this missense variant does not alter protein structure/function; Has not been previously published as pathogenic or benign to our knowledge

NM_000089.4(COL1A2):c.1339A>G (p.Met447Val)

Gene: COL1A2 (collagen type I alpha 2 chain; plus strand). Cytogenetic location: 7q21.3.
Variant type: single nucleotide variant.
Coding change: c.1339A>G on transcript NM_000089.4 (MANE Select); coding-DNA position 1339, A replaced by G.
Protein change: p.Met447Val; replaces methionine 447 with valine.
Molecular consequence: missense variant.
Genome position (GRCh38, 1-based): chr7:94,411,143, A>G. VCF-style: chr7-94411143-A-G. GRCh37 (hg19) VCF-style: chr7-94040455-A-G.
Other names: short protein forms M447V.
Identifiers: ClinVar variation 3369579 (VCV003369579.3).
Genomic context (GRCh38, chr7:94,411,143, plus strand): 5'-GGCCCTGCTGGAGTCCGAGGACCTAATGGAGATGCTGGTCGCCCTGGGGAGCCTGGTCTC[A>G]TGGGACCCAGAGTAAGTTTCAAACTGATTCTGAGCAAATCACACCTGGCATTACTTCCTT-3'
Protein context (NP_000080.2, residues 437-457): DAGRPGEPGL[Met447Val]GPRGLPGSPG